The following is an entry in ClinVar:

ClinVar aggregate classification (germline): Likely pathogenic (1 of 4 stars; one submission).

Conditions:
Wiskott-Aldrich syndrome (WAS). Also called: ALDRICH SYNDROME; IMMUNODEFICIENCY 2; WISKOTT-ALDRICH SYNDROME 1; Wiskott-aldrich syndrome, somatic. Identifiers: Orphanet 906, MedGen C0043194, MONDO:0010518, OMIM 301000.

Submission:

Women's Health and Genetics/Laboratory Corporation of America, LabCorp
Classification: Likely pathogenic for Wiskott-Aldrich syndrome. Last evaluated: 2025-03-12. Review status: criteria provided, single submitter. Criteria: LabCorp Variant Classification Summary - May 2015. Collection method: clinical testing. Allele origin: germline.
Comment: Variant summary: WAS c.331A>C (p.Thr111Pro) results in a non-conservative amino acid change in the encoded protein sequence. Four of five in-silico tools predict a damaging effect of the variant on protein function. The frequency data for this variant in gnomAD is considered unreliable, as metrics indicate poor data quality at this position. c.331A>C has been reported in the presumed hemizygous state in the literature in at least 1 individuals affected with Wiskott-Aldrich Syndrome (example, Thompson_1999). At least one publication reports experimental evidence evaluating an impact on protein function. The most pronounced variant effect results in total loss of detectable protein in vitro (example, Rajmohan_2009). The following publications have been ascertained in the context of this evaluation (PMID: 19817875, 10575547). No submitters have cited clinical-significance assessments for this variant to ClinVar. Based on the evidence outlined above, the variant was classified as likely pathogenic.

Literature cited by the submitters: PubMed 10575547; PubMed 19817875.

NM_000377.3(WAS):c.331A>C (p.Thr111Pro)

Gene: WAS (WASP actin nucleation promoting factor; plus strand). Cytogenetic location: Xp11.23.
Variant type: single nucleotide variant.
Coding change: c.331A>C on transcript NM_000377.3 (MANE Select); coding-DNA position 331, A replaced by C.
Protein change: p.Thr111Pro; replaces threonine 111 with proline.
Molecular consequence: missense variant.
Genome position (GRCh38, 1-based): chrX:48,685,604, A>C. VCF-style: chrX-48685604-A-C. GRCh37 (hg19) VCF-style: chrX-48543993-A-C.
Other names: short protein forms T111P.
Identifiers: ClinVar variation 3895697 (VCV003895697.1).